The following is an entry in ClinVar:

ClinVar aggregate classification (germline): Uncertain significance (1 of 4 stars; one submission).

Submission:

Ambry Genetics
Classification: Uncertain significance. Last evaluated: 2025-07-17. Review status: criteria provided, single submitter. Criteria: Ambry Variant Classification Scheme 2023. Collection method: clinical testing. Allele origin: germline.
Comment: The p.S433R variant (also known as c.1297A>C), located in coding exon 2 of the CDK12 gene, results from an A to C substitution at nucleotide position 1297. The serine at codon 433 is replaced by arginine, an amino acid with dissimilar properties. This amino acid position is conserved. In addition, this alteration is predicted to be tolerated by in silico analysis. Based on the available evidence, the clinical significance of this variant remains unclear.

NM_016507.4(CDK12):c.1297A>C (p.Ser433Arg)

Gene: CDK12 (cyclin dependent kinase 12; plus strand). Cytogenetic location: 17q12.
Variant type: single nucleotide variant.
Coding change: c.1297A>C on transcript NM_016507.4 (MANE Select); coding-DNA position 1297, A replaced by C.
Protein change: p.Ser433Arg; replaces serine 433 with arginine.
Molecular consequence: missense variant.
Genome position (GRCh38, 1-based): chr17:39,471,129, A>C. VCF-style: chr17-39471129-A-C. GRCh37 (hg19) VCF-style: chr17-37627382-A-C.
Other names: c.1297A>C, p.Ser433Arg (NM_015083.4); short protein forms S433R.
Identifiers: ClinVar variation 4224294 (VCV004224294.1).